The following is an entry in ClinVar:

NM_005708.5(GPC6):c.433_451del (p.Glu145fs)

Genes: GPC6 (glypican 6; plus strand), GPC6-AS2 (GPC6 antisense RNA 2; minus strand). Cytogenetic location: 13q31.3.
Variant type: Deletion.
Coding change: c.433_451del on transcript NM_005708.5 (MANE Select); coding-DNA positions 433 to 451, 19 bases deleted (GAGCTGAAAAGGTACTACA).
Protein change: p.Glu145fs; shifts the reading frame from glutamic acid 145.
Molecular consequence: frameshift variant.
Genome position (GRCh38, 1-based): chr13:93,830,267-93,830,285, GAGCTGAAAAGGTACTACA deleted; deleting any 19 consecutive bases within chr13:93,830,264-93,830,285 gives the same sequence; the c. name uses the placement nearest the transcript's 3' end. VCF-style (leftmost placement, unchanged base first): chr13-93830263-CACAGAGCTGAAAAGGTACT-C. GRCh37 (hg19) VCF-style: chr13-94482516-CACAGAGCTGAAAAGGTACT-C.
Other names: short protein forms E145fs.
Identifiers: ClinVar variation 1076013 (VCV001076013.7), dbSNP rs2138980021, ClinGen allele CA2499222516.

ClinVar aggregate classification (germline): Pathogenic (1 of 4 stars; one submission).

Submission:

Labcorp Genetics (formerly Invitae), Labcorp
Classification: Pathogenic. Last evaluated: 2020-08-31. Review status: criteria provided, single submitter. Criteria: Invitae Variant Classification Sherloc (09022015). Collection method: clinical testing. Allele origin: germline.
Comment: For these reasons, this variant has been classified as Pathogenic. Loss-of-function variants in GPC6 are known to be pathogenic (PMID: 19481194). This variant has not been reported in the literature in individuals with GPC6-related conditions. This variant is not present in population databases (ExAC no frequency). This sequence change creates a premature translational stop signal (p.Glu145Leufs*5) in the GPC6 gene. It is expected to result in an absent or disrupted protein product.

Literature cited by the submitters: PubMed 19481194.